The following is an entry in ClinVar:

NM_002373.6(MAP1A):c.6816G>A (p.Ala2272=)

Gene: MAP1A (microtubule associated protein 1A; plus strand). Cytogenetic location: 15q15.3.
Variant type: single nucleotide variant.
Coding change: c.6816G>A on transcript NM_002373.6 (MANE Select); coding-DNA position 6816, G replaced by A.
Protein change: p.Ala2272=; no amino-acid change (alanine 2272 retained).
Molecular consequence: synonymous variant.
Genome position (GRCh38, 1-based): chr15:43,528,289, G>A. VCF-style: chr15-43528289-G-A. GRCh37 (hg19) VCF-style: chr15-43820487-G-A.
Other names: c.7530G>A, p.Ala2510= (NM_001411089.1).
Identifiers: ClinVar variation 2645273 (VCV002645273.24), dbSNP rs202219476, ClinGen allele CA7526952.

ClinVar aggregate classification (germline): Likely benign (1 of 4 stars; one submission).

Allele frequency attached by ClinVar (database versions not stated): 1000 Genomes Project 0.00020; 1000 Genomes Project 30x 0.00047; ESP Exome Variant Server 0.00049; gnomAD exomes 0.00054; gnomAD 0.00063; ExAC 0.00082; TOPMed 0.00085.
gnomAD v4.1: 969 of 1,613,982 alleles (0.06%); highest among the groups gnomAD compares: Admixed American, 0.072%; 9 homozygotes.

Submission:

CeGaT Center for Human Genetics Tuebingen
Classification: Likely benign. Last evaluated: 2022-04-01. Review status: criteria provided, single submitter. Criteria: CeGaT Center For Human Genetics Tuebingen Variant Classification Criteria Version 2. Collection method: clinical testing. Allele origin: germline. Affected: yes. Observed: 1 variant allele.
Comment: MAP1A: BP4, BP7